The following is an entry in ClinVar:

NM_000552.5(VWF):c.7137T>G (p.Arg2379=)

Gene: VWF (von Willebrand factor; minus strand). Cytogenetic location: 12p13.31.
Variant type: single nucleotide variant.
Coding change: c.7137T>G on transcript NM_000552.5 (MANE Select); coding-DNA position 7137, T replaced by G.
Protein change: p.Arg2379=; no amino-acid change (arginine 2379 retained).
Molecular consequence: synonymous variant.
Genome position (GRCh38, 1-based): chr12:5,981,936, A>C on the plus strand (T>G on the coding strand, the complement: VWF is on the minus strand). VCF-style: chr12-5981936-A-C. GRCh37 (hg19) VCF-style: chr12-6091102-A-C.
Identifiers: ClinVar variation 3771088 (VCV003771088.13).

ClinVar aggregate classification (germline): Likely benign (1 of 4 stars; one submission).

Submission:

CeGaT Center for Human Genetics Tuebingen
Classification: Likely benign. Last evaluated: 2024-12-01. Review status: criteria provided, single submitter. Criteria: CeGaT Center For Human Genetics Tuebingen Variant Classification Criteria Version 2. Collection method: clinical testing. Allele origin: germline. Affected: yes. Observed: 1 variant allele.
Comment: VWF: BP4, BP7